The following is an entry in ClinVar:

NM_000169.3(GLA):c.156C>T (p.Cys52=)

Genes: GLA (galactosidase alpha; minus strand), RPL36A-HNRNPH2 (RPL36A-HNRNPH2 readthrough; plus strand). Cytogenetic location: Xq22.1.
Variant type: single nucleotide variant.
Coding change: c.156C>T on transcript NM_000169.3 (MANE Select); coding-DNA position 156, C replaced by T.
Protein change: p.Cys52=; no amino-acid change (cysteine 52 retained).
Molecular consequence: synonymous variant. On other transcripts: non-coding transcript variant (3), intron variant (2).
Genome position (GRCh38, 1-based): chrX:101,407,748, G>A on the plus strand (C>T on the coding strand, the complement: GLA is on the minus strand). VCF-style: chrX-101407748-G-A. GRCh37 (hg19) VCF-style: chrX-100662736-G-A.
Other names: c.156C>T, p.Cys52= (NM_001406747.1, NM_001406748.1, NM_001406749.1); c.301-4188G>A (NM_001199973.2); c.178-4188G>A (NM_001199974.2).
Identifiers: ClinVar variation 4974859 (VCV004974859.1).

ClinVar aggregate classification (germline): Likely benign (1 of 4 stars; one submission).

Conditions:
Fabry disease. Also called: Fabry's disease; ALPHA-GALACTOSIDASE A DEFICIENCY; ANDERSON-FABRY DISEASE; CERAMIDE TRIHEXOSIDASE DEFICIENCY; GLA DEFICIENCY; HEREDITARY DYSTOPIC LIPIDOSIS. Identifiers: Orphanet 324, MedGen C0002986, MONDO:0010526, OMIM 301500, HP:0001071. Disease mechanism: Fabry disease is due to inactivating mutations in the X-linked GLA gene resulting in deficiency of the enzyme Alpha Galactosidase-A., loss of function.

Submission:

Genomenon, Inc
Classification: Likely benign for Fabry disease. Last evaluated: 2026-09-08. Review status: criteria provided, single submitter. Criteria: Genomenon Sequence Variant Interpretation Standards - Updated. Collection method: curation. Allele origin: germline. Affected: yes.
Comment: GLA c.156C>T is a synonymous variant that retains Cysteine at codon 52. This variant has been observed in at least one proband with clinical features consistent with Fabry disease (PMID:39595144). It is absent or not present at a significant frequency in gnomAD. This variant is not predicted to impact splicing. In conclusion, we classify GLA p.Cys52= (c.156C>T) as a likely benign variant.

Literature cited by the submitters: PubMed 39595144.